The following is an entry in ClinVar:

ClinVar aggregate classification (germline): Uncertain significance (1 of 4 stars; one submission).

Conditions:
Hereditary cancer-predisposing syndrome. Also called: Neoplastic Syndromes, Hereditary; Tumor predisposition; Hereditary neoplastic syndrome; Hereditary Cancer Syndrome. Identifiers: Orphanet 140162, MedGen C0027672, MeSH D009386, MONDO:0015356.
Cardiovascular phenotype. Identifiers: MedGen CN230736.

Allele frequency attached by ClinVar (database versions not stated): gnomAD exomes below 0.00001.

Submission:

Ambry Genetics
Classification: Uncertain significance for Cardiovascular phenotype; Hereditary cancer-predisposing syndrome. Last evaluated: 2023-12-08. Review status: criteria provided, single submitter. Criteria: Ambry Variant Classification Scheme 2023. Collection method: clinical testing. Allele origin: germline.
Comment: The p.A518D variant (also known as c.1553C>A), located in coding exon 14 of the LZTR1 gene, results from a C to A substitution at nucleotide position 1553. The alanine at codon 518 is replaced by aspartic acid, an amino acid with dissimilar properties. This amino acid position is conserved. In addition, this alteration is predicted to be deleterious by in silico analysis. Since supporting evidence is limited at this time, the clinical significance of this alteration remains unclear.

NM_006767.4(LZTR1):c.1553C>A (p.Ala518Asp)

Gene: LZTR1 (leucine zipper like post translational regulator 1; plus strand). Cytogenetic location: 22q11.21.
Variant type: single nucleotide variant.
Coding change: c.1553C>A on transcript NM_006767.4 (MANE Select); coding-DNA position 1553, C replaced by A.
Protein change: p.Ala518Asp; replaces alanine 518 with aspartic acid.
Molecular consequence: missense variant.
Genome position (GRCh38, 1-based): chr22:20,994,207, C>A. VCF-style: chr22-20994207-C-A. GRCh37 (hg19) VCF-style: chr22-21348496-C-A.
Other names: short protein forms A518D.
Identifiers: ClinVar variation 3238096 (VCV003238096.1), dbSNP rs1423730863.